The following is an entry in ClinVar:

NM_004281.4(BAG3):c.1669G>A (p.Ala557Thr)

Gene: BAG3 (BAG cochaperone 3; plus strand). Cytogenetic location: 10q26.11.
Variant type: single nucleotide variant.
Coding change: c.1669G>A on transcript NM_004281.4 (MANE Select); coding-DNA position 1669, G replaced by A.
Protein change: p.Ala557Thr; replaces alanine 557 with threonine.
Molecular consequence: missense variant.
Genome position (GRCh38, 1-based): chr10:119,677,223, G>A. VCF-style: chr10-119677223-G-A. GRCh37 (hg19) VCF-style: chr10-121436735-G-A.
Other names: short protein forms A557T.
Identifiers: ClinVar variation 948022 (VCV000948022.9), dbSNP rs1847253063, ClinGen allele CA378297817.
Genomic context (GRCh38, chr10:119,677,223, plus strand): 5'-AAAAATGCTGGAAATGCAGAAGATCCCCACACAGAAACCCAGCAGCCAGAAGCCACAGCA[G>A]CAGCGACTTCAAACCCCAGCAGCATGACAGACACCCCTGGTAACCCAGCAGCACCGTAGC-3'
Protein context (NP_004272.2, residues 547-567): TETQQPEATA[Ala557Thr]ATSNPSSMTD

ClinVar aggregate classification (germline): Uncertain significance (1 of 4 stars; one submission).

Conditions:
Myofibrillar myopathy 6. Identifiers: Orphanet 199340, MedGen C2751831, MONDO:0013061, OMIM 612954.
Dilated cardiomyopathy 1HH (CMD1HH). Identifiers: Orphanet 154, MedGen C3151293, MONDO:0013479, OMIM 613881.

Submission:

Labcorp Genetics (formerly Invitae), Labcorp
Classification: Uncertain significance for Dilated cardiomyopathy 1HH; Myofibrillar myopathy 6. Last evaluated: 2019-04-05. Review status: criteria provided, single submitter. Criteria: Invitae Variant Classification Sherloc (09022015). Collection method: clinical testing. Allele origin: germline.
Comment: This sequence change replaces alanine with threonine at codon 557 of the BAG3 protein (p.Ala557Thr). The alanine residue is moderately conserved and there is a small physicochemical difference between alanine and threonine. This variant is not present in population databases (ExAC no frequency). This variant has not been reported in the literature in individuals with BAG3-related conditions. In summary, the available evidence is currently insufficient to determine the role of this variant in disease. Therefore, it has been classified as a Variant of Uncertain Significance.